The following is an entry in ClinVar:

NM_000215.4(JAK3):c.828C>A (p.Asp276Glu)

Gene: JAK3 (Janus kinase 3; minus strand). Cytogenetic location: 19p13.11.
Variant type: single nucleotide variant.
Coding change: c.828C>A on transcript NM_000215.4 (MANE Select); coding-DNA position 828, C replaced by A.
Protein change: p.Asp276Glu; replaces aspartic acid 276 with glutamic acid.
Molecular consequence: missense variant.
Genome position (GRCh38, 1-based): chr19:17,842,349, G>T on the plus strand (C>A on the coding strand, the complement: JAK3 is on the minus strand). VCF-style: chr19-17842349-G-T. GRCh37 (hg19) VCF-style: chr19-17953158-G-T.
Other names: short protein forms D276E.
Identifiers: ClinVar variation 660263 (VCV000660263.6), dbSNP rs569160156, ClinGen allele CA306140045.

ClinVar aggregate classification (germline): Uncertain significance (1 of 4 stars; one submission).

Conditions:
T-B+ severe combined immunodeficiency due to JAK3 deficiency. Also called: SCID, T CELL-NEGATIVE, B CELL-POSITIVE, NK CELL-NEGATIVE; SCID, autosomal recessive, T-negative/B-positive type. Identifiers: Orphanet 35078, MedGen C1833275, MONDO:0010938, OMIM 600802.

Allele frequency attached by ClinVar (database versions not stated): TOPMed 0.00001.
gnomAD v4.1: 2 of 1,573,794 alleles (0.00013%); highest among the groups gnomAD compares: South Asian, 0.0011%; no homozygotes.

Submission:

Labcorp Genetics (formerly Invitae), Labcorp
Classification: Uncertain significance for T-B+ severe combined immunodeficiency due to JAK3 deficiency. Last evaluated: 2021-08-24. Review status: criteria provided, single submitter. Criteria: Invitae Variant Classification Sherloc (09022015). Collection method: clinical testing. Allele origin: germline.
Comment: This sequence change replaces aspartic acid with glutamic acid at codon 276 of the JAK3 protein (p.Asp276Glu). The aspartic acid residue is moderately conserved and there is a small physicochemical difference between aspartic acid and glutamic acid. This variant is not present in population databases (ExAC no frequency). This variant has not been reported in the literature in individuals affected with JAK3-related conditions. Algorithms developed to predict the effect of missense changes on protein structure and function (SIFT, PolyPhen-2, Align-GVGD) all suggest that this variant is likely to be tolerated. Algorithms developed to predict the effect of sequence changes on RNA splicing suggest that this variant may create or strengthen a splice site. In summary, the available evidence is currently insufficient to determine the role of this variant in disease. Therefore, it has been classified as a Variant of Uncertain Significance.